The following is an entry in ClinVar:

ClinVar aggregate classification (germline): Uncertain significance. Review status: criteria provided, multiple submitters, no conflicts (2 of 4 stars). 2 submissions from 2 submitters: Uncertain significance (2). Last evaluated 2024-10-07.

Conditions:
Hereditary cancer-predisposing syndrome. Also called: Tumor predisposition; Hereditary Cancer Syndrome; Neoplastic Syndromes, Hereditary; Hereditary neoplastic syndrome. Identifiers: Orphanet 140162, MedGen C0027672, MeSH D009386, MONDO:0015356.
DICER1-related tumor predisposition. Also called: DICER1-related pleuropulmonary blastoma cancer predisposition syndrome; DICER1 syndrome. Identifiers: Orphanet 284343, MedGen C3839822, MONDO:0100216.

Allele frequency attached by ClinVar (database versions not stated): ExAC 0.00001; TOPMed 0.00001.
gnomAD v4.1: 6 of 1,614,012 alleles (0.00037%); highest among the groups gnomAD compares: South Asian, 0.0011%; no homozygotes.

Submissions (2):

Labcorp Genetics (formerly Invitae), Labcorp
Classification: Uncertain significance for DICER1-related tumor predisposition. Last evaluated: 2024-10-07. Review status: criteria provided, single submitter. Criteria: Invitae Variant Classification Sherloc (09022015). Collection method: clinical testing. Allele origin: germline.
Comment: This sequence change replaces arginine, which is basic and polar, with leucine, which is neutral and non-polar, at codon 1368 of the DICER1 protein (p.Arg1368Leu). This variant is present in population databases (rs767112987, gnomAD 0.0009%). This variant has not been reported in the literature in individuals affected with DICER1-related conditions. ClinVar contains an entry for this variant (Variation ID: 862354). Invitae Evidence Modeling of protein sequence and biophysical properties (such as structural, functional, and spatial information, amino acid conservation, physicochemical variation, residue mobility, and thermodynamic stability) indicates that this missense variant is not expected to disrupt DICER1 protein function with a negative predictive value of 95%. In summary, the available evidence is currently insufficient to determine the role of this variant in disease. Therefore, it has been classified as a Variant of Uncertain Significance.

Ambry Genetics
Classification: Uncertain significance for Hereditary cancer-predisposing syndrome. Last evaluated: 2024-03-21. Review status: criteria provided, single submitter. Criteria: Ambry Variant Classification Scheme 2023. Collection method: clinical testing. Allele origin: germline.
Comment: The p.R1368L variant (also known as c.4103G>T), located in coding exon 21 of the DICER1 gene, results from a G to T substitution at nucleotide position 4103. The arginine at codon 1368 is replaced by leucine, an amino acid with dissimilar properties. This amino acid position is conserved. In addition, this alteration is predicted to be deleterious by in silico analysis. Based on the available evidence, the clinical significance of this alteration remains unclear.

NM_177438.3(DICER1):c.4103G>T (p.Arg1368Leu)

Gene: DICER1 (dicer 1, ribonuclease III; minus strand). Cytogenetic location: 14q32.13.
Variant type: single nucleotide variant.
Coding change: c.4103G>T on transcript NM_177438.3 (MANE Select); coding-DNA position 4103, G replaced by T.
Protein change: p.Arg1368Leu; replaces arginine 1368 with leucine.
Molecular consequence: missense variant.
Genome position (GRCh38, 1-based): chr14:95,099,883, C>A on the plus strand (G>T on the coding strand, the complement: DICER1 is on the minus strand). VCF-style: chr14-95099883-C-A. GRCh37 (hg19) VCF-style: chr14-95566220-C-A.
Other names: c.4103G>T, p.Arg1368Leu (NM_001195573.1, NM_001271282.3, NM_001291628.2 and 1 more transcripts); short protein forms R1368L.
Identifiers: ClinVar variation 862354 (VCV000862354.12), dbSNP rs767112987, ClinGen allele CA7330940.